The following is an entry in ClinVar:

NM_007294.4(BRCA1):c.5062G>T (p.Val1688Phe)

Gene: BRCA1 (BRCA1 DNA repair associated; minus strand). Cytogenetic location: 17q21.31.
Variant type: single nucleotide variant.
Coding change: c.5062G>T on transcript NM_007294.4 (MANE Select); coding-DNA position 5062, G replaced by T.
Protein change: p.Val1688Phe; replaces valine 1688 with phenylalanine.
Molecular consequence: missense variant. On other transcripts: non-coding transcript variant (1).
Genome position (GRCh38, 1-based): chr17:43,067,620, C>A on the plus strand (G>T on the coding strand, the complement: BRCA1 is on the minus strand). VCF-style: chr17-43067620-C-A. GRCh37 (hg19) VCF-style: chr17-41219637-C-A.
Other names: c.4849G>T, p.Val1617Phe (NM_001407571.1, NM_001407894.1, NM_001407895.1 and 12 more transcripts); c.5128G>T, p.Val1710Phe (NM_001407581.1, NM_001407582.1); c.5125G>T, p.Val1709Phe (NM_001407583.1, NM_001407585.1, NM_001407587.1 and 1 more transcripts); c.5122G>T, p.Val1708Phe (NM_001407590.1, NM_001407591.1); c.5062G>T, p.Val1688Phe (NM_001407593.1, NM_001407594.1, NM_001407596.1 and 8 more transcripts); c.5059G>T, p.Val1687Phe (NM_001407610.1, NM_001407611.1, NM_001407612.1 and 17 more transcripts); c.5056G>T, p.Val1686Phe (NM_001407627.1, NM_001407628.1, NM_001407629.1 and 14 more transcripts); c.5053G>T, p.Val1685Phe (NM_001407644.1, NM_001407645.1); and 70 more; short protein forms V1641F, V1709F, V1688F, V584F, V1391F, V1392F, V1519F, V1559F.
Identifiers: ClinVar variation 868976 (VCV000868976.5), dbSNP rs2052159968, ClinGen allele CA10591395.

ClinVar aggregate classification (germline): Likely pathogenic (1 of 4 stars; one submission).

Conditions:
Hereditary breast ovarian cancer syndrome. Also called: Hereditary breast and ovarian cancer; Hereditary breast and ovarian cancer syndrome (HBOC); Breast and ovarian cancer; Hereditary breast and/or ovarian cancer syndrome; BRCA1- and BRCA2-Associated Hereditary Breast and Ovarian Cancer; Hereditary breast and ovarian cancer syndrome. Identifiers: Orphanet 145, MedGen C0677776, MeSH D061325, MONDO:0003582. Disease mechanism: loss of function.

Submissions (2):

Breast Center, Key Laboratory of Carcinogenesis and Translational Research
Classification: Likely pathogenic for Hereditary breast and ovarian cancer syndrome. Last evaluated: 2020-05-01. Review status: criteria provided, single submitter. Criteria: ACMG Guidelines, 2015. Collection method: clinical testing. Allele origin: germline. Observed: 1 variant allele.

Brotman Baty Institute, University of Washington
No classification provided (evidence only). Condition: Breast-ovarian cancer, familial 1. Review status: no classification provided. Collection method: in vitro. Allele origin: not applicable. Functional consequence: functionally_abnormal. Not counted in ClinVar's aggregate classification.
ClinVar note: "not provided" was previously submitted as the classification for the variant. However, the classification appeared to be based only on an observation of functional data so it was converted to no classification on 2025-07-30.

Literature cited by the submitters: PubMed 30209399 (cited by Breast Center, Key Laboratory of Carcinogenesis and Translational Research).